The following is an entry in ClinVar:

ClinVar aggregate classification (germline): Conflicting classifications of pathogenicity. Review status: criteria provided, conflicting classifications (1 of 4 stars). 5 submissions from 5 submitters: Uncertain significance (3); Likely benign (2). Last evaluated 2026-07-08.

Conditions:
Intellectual disability, autosomal dominant 16 (CSS4). Also called: COFFIN-SIRIS SYNDROME 4. Identifiers: Orphanet 1465, MedGen C3553249, MONDO:0013821, OMIM 614609.
Hereditary cancer-predisposing syndrome. Also called: Hereditary neoplastic syndrome; Neoplastic Syndromes, Hereditary; Tumor predisposition; Hereditary Cancer Syndrome. Identifiers: Orphanet 140162, MedGen C0027672, MeSH D009386, MONDO:0015356.
Rhabdoid tumor predisposition syndrome 2 (RTPS2). Identifiers: Orphanet 231108, Orphanet 69077, MedGen C2750074, MONDO:0013224, OMIM 613325.

Allele frequency attached by ClinVar (database versions not stated): ExAC 0.00002; gnomAD 0.00003; gnomAD exomes 0.00001; TOPMed 0.00001.
gnomAD v4.1: 7 of 779,670 alleles (0.0009%); highest among the groups gnomAD compares: Admixed American, 0.0017%; no homozygotes.

Submissions (5):

Myriad Genetics, Inc.
Classification: Likely benign for Rhabdoid tumor predisposition syndrome 2. Last evaluated: 2026-07-08. Review status: criteria provided, single submitter. Criteria: Myriad Autosomal Dominant, Autosomal Recessive and X-Linked Classification Criteria (2023). Collection method: clinical testing. Allele origin: unknown.
Comment: This variant is considered likely benign. This variant has been observed at a population frequency that is significantly greater than expected given the associated disease prevalence and penetrance.

Labcorp Genetics (formerly Invitae), Labcorp
Classification: Uncertain significance for Rhabdoid tumor predisposition syndrome 2. Last evaluated: 2026-01-10. Review status: criteria provided, single submitter. Criteria: Invitae Variant Classification Sherloc (09022015). Collection method: clinical testing. Allele origin: germline.
Comment: This sequence change replaces alanine, which is neutral and non-polar, with threonine, which is neutral and polar, at codon 1272 of the SMARCA4 protein (p.Ala1272Thr). This variant is present in population databases (rs776672640, gnomAD 0.005%). This variant has not been reported in the literature in individuals affected with SMARCA4-related conditions. ClinVar contains an entry for this variant (Variation ID: 824252). An algorithm developed to predict the effect of missense changes on protein structure and function (PolyPhen-2) suggests that this variant is likely to be tolerated. In summary, the available evidence is currently insufficient to determine the role of this variant in disease. Therefore, it has been classified as a Variant of Uncertain Significance.

Baylor Genetics
Classification: Uncertain significance for Rhabdoid tumor predisposition syndrome 2. Last evaluated: 2023-05-06. Review status: criteria provided, single submitter. Criteria: ACMG Guidelines, 2015. Collection method: clinical testing. Allele origin: unknown.

Ambry Genetics
Classification: Likely benign for Hereditary cancer-predisposing syndrome. Last evaluated: 2023-01-24. Review status: criteria provided, single submitter. Criteria: Ambry Variant Classification Scheme 2023. Collection method: clinical testing. Allele origin: germline.

Genome-Nilou Lab
Classification: Uncertain significance for Intellectual disability, autosomal dominant 16. Last evaluated: 2021-07-15. Review status: criteria provided, single submitter. Criteria: ACMG Guidelines, 2015. Collection method: clinical testing. Allele origin: germline. Affected: no.

NM_003072.5(SMARCA4):c.3814G>A (p.Ala1272Thr)

Gene: SMARCA4 (SWI/SNF related BAF chromatin remodeling complex subunit ATPase 4; plus strand). Cytogenetic location: 19p13.2.
Variant type: single nucleotide variant.
Coding change: c.3814G>A on transcript NM_003072.5 (MANE Select); coding-DNA position 3814, G replaced by A.
Protein change: p.Ala1272Thr; replaces alanine 1272 with threonine.
Molecular consequence: missense variant. On other transcripts: intron variant (5).
Genome position (GRCh38, 1-based): chr19:11,033,806, G>A. VCF-style: chr19-11033806-G-A. GRCh37 (hg19) VCF-style: chr19-11144482-G-A.
Other names: c.3814G>A, p.Ala1272Thr (NM_001128844.3, NM_001128849.3); c.3774+289G>A (NM_001128847.4, NM_001374457.1, NM_001128845.2 and 2 more transcripts); short protein forms A1272T.
Identifiers: ClinVar variation 824252 (VCV000824252.16), dbSNP rs776672640, ClinGen allele CA9204528.
Genomic context (GRCh38, chr19:11,033,806, plus strand): 5'-AAGTCCTCTATTTATCCACAGAGCAGACACTGCAGCACGGGCAGCGGCAGTGCCAGCTTC[G>A]CCCACACTGCCCCTCCGCCAGCGGGCGTCAACCCCGACTTGGAGGAGCCACCTCTAAAGG-3'
Protein context (NP_003063.2, residues 1262-1282): CSTGSGSASF[Ala1272Thr]HTAPPPAGVN